The following is an entry in ClinVar:

NM_005378.6(MYCN):c.1323_1333del (p.Leu442fs)

Gene: MYCN (MYCN proto-oncogene, bHLH transcription factor; plus strand). Cytogenetic location: 2p24.3.
Variant type: Deletion.
Coding change: c.1323_1333del on transcript NM_005378.6 (MANE Select); coding-DNA positions 1323 to 1333, 11 bases deleted (GCTGGAAAAGG).
Protein change: p.Leu442fs; shifts the reading frame from leucine 442.
Molecular consequence: frameshift variant. On other transcripts: 3 prime UTR variant (1).
Genome position (GRCh38, 1-based): chr2:15,946,025-15,946,035, GCTGGAAAAGG deleted. VCF-style (leftmost placement, unchanged base first): chr2-15946024-TGCTGGAAAAGG-T. GRCh37 (hg19) VCF-style: chr2-16086146-TGCTGGAAAAGG-T.
Other names: c.1323_1333del, p.Leu442fs (NM_001293228.2); c.690_700del, p.Leu231fs (NM_001293231.2); c.*1258_*1268del (NM_001293233.2); short protein forms L231fs, L442fs.
Identifiers: ClinVar variation 5040253 (VCV005040253.1).

ClinVar aggregate classification (germline): Likely pathogenic (1 of 4 stars; one submission).

Submission:

CeGaT Center for Human Genetics Tuebingen
Classification: Likely pathogenic. Last evaluated: 2026-07-01. Review status: criteria provided, single submitter. Criteria: CeGaT Center For Human Genetics Tuebingen Variant Classification Criteria Version 2. Collection method: clinical testing. Allele origin: germline. Affected: yes. Observed: 1 variant allele.
Comment: MYCN: PVS1:Strong, PM2